The following is an entry in ClinVar:

ClinVar aggregate classification (germline): Likely pathogenic (1 of 4 stars; one submission).

Submission:

Dasa
Classification: Likely pathogenic. Last evaluated: 2024-12-19. Review status: criteria provided, single submitter. Criteria: DASA Assertion Criteria. Collection method: clinical testing. Allele origin: germline.
Comment: NM_001080453.3(INTS1):c.211dup (p.Leu71Profs*24) is a frameshift variant in INTS1 predicted to alter the reading frame and introduce a premature termination codon and is predicted to result in an absent or altered protein product. Loss of function is an established disease mechanism for INTS1-associated disorders. Also, this variant is absent from population databases. Based on the currently available evidence, this variant is classified as likely pathogenic.

NM_001080453.3(INTS1):c.211dup (p.Leu71fs)

Gene: INTS1 (integrator complex subunit 1; minus strand). Cytogenetic location: 7p22.3.
Variant type: Duplication.
Coding change: c.211dup on transcript NM_001080453.3 (MANE Select); coding-DNA position 211, one base duplicated (C; older notation c.211dupC).
Protein change: p.Leu71fs; shifts the reading frame from leucine 71.
Molecular consequence: frameshift variant.
Genome position (GRCh38, 1-based): chr7:1,503,039, G duplicated on the plus strand (C on the coding strand, the reverse complement: INTS1 is on the minus strand); the first of 3 consecutive G bases (chr7:1,503,039-1,503,041); duplicating any one gives the same sequence. VCF-style (leftmost placement, unchanged base first): chr7-1503038-A-AG. GRCh37 (hg19) VCF-style: chr7-1542674-A-AG.
Other names: short protein forms L71fs.
Identifiers: ClinVar variation 4881214 (VCV004881214.2).